The following continues an entry in ClinVar:

NM_000156.6(GAMT):c.299_311dup (p.Arg105fs)

Gene: GAMT. ClinVar aggregate classification (germline): Pathogenic. Pathogenic (1).

Submissions 9 to 13 of 13:

Broad Center for Mendelian Genomics, Broad Institute of MIT and Harvard
Classification: Pathogenic for Cerebral creatine deficiency syndrome. Last evaluated: 2021-11-02. Review status: criteria provided, single submitter. Criteria: ACMG Guidelines, 2015. Collection method: curation. Allele origin: germline. Inheritance: Autosomal recessive inheritance. Not counted in ClinVar's aggregate classification.
Comment: The p.Arg105fs variant in GAMT has been reported in 5 individuals with cerebral creatine deficiency syndrome (PMID: 8651275, 19027335, 23234264, 23660394, 24268530), segregated with disease in 2 affected relatives from 2 families (PMID: 23234264, 24268530), and has been identified in in 0.01% (11/93592) of European (non-Finnish) chromosomes by the Genome Aggregation Database (gnomAD; dbSNP ID: rs779679242). Although this variant has been seen in the general population in a heterozygous state, its frequency is low enough to be consistent with a recessive carrier frequency. Of the 5 affected individuals, at least 1 of those was a homozygote and 2 were compound heterozygotes that carried a reported pathogenic variant in trans, which increases the likelihood that the p.Arg105fs variant is pathogenic (Variation ID: 21065; PMID: 8651275, 19027335, 23234264, 23660394, 24268530). This variant has also been reported in ClinVar (Variation ID#: 8302) and has been interpreted as pathogenic by Integrated Genetics (Laboratory Corporation of America), OMIM, Invitae, and GeneReviews. This variant is predicted to cause a frameshift, which alters the protein’s amino acid sequence beginning at position 105 and leads to a premature termination codon 26 amino acids downstream. This alteration is then predicted to lead to a truncated or absent protein. Loss of function of the GAMT gene is a strongly established disease mechanism in autosomal recessive cerebral creatine deficiency syndrome. The phenotype of individuals homozygous or compound heterozygous for this variant is highly specific for cerebral creatine deficiency syndrome based on strict biochemical investigations consistent with disease (PMID: 23660394, 8651275, 19027335, 23660394). In summary, this variant meets criteria to be classified as pathogenic for autosomal recessive cerebral creatine deficiency syndrome. ACMG/AMP Criteria applied: PVS1, PM3_strong, PM2_supporting, PP4 (Richards 2015).

Revvity Omics, Revvity
Classification: Pathogenic for Deficiency of guanidinoacetate methyltransferase. Last evaluated: 2021-11-01. Review status: criteria provided, single submitter. Criteria: ACMG Guidelines, 2015. Collection method: clinical testing. Allele origin: germline. Not counted in ClinVar's aggregate classification.

Ambry Genetics
Classification: Pathogenic for Inborn genetic diseases. Last evaluated: 2018-07-23. Review status: criteria provided, single submitter. Criteria: Ambry Variant Classification Scheme 2023. Collection method: clinical testing. Allele origin: germline. Not counted in ClinVar's aggregate classification.
Comment: The c.299_311dup13 variant, located in coding exon 2 of the GAMT gene, results from a duplication of GGGACTGGGCCCC at nucleotide position 299, causing a translational frameshift with a predicted alternate stop codon (p.R105Gfs*26). This alteration has been detected as homozygous in two individuals with GAMT deficiency (Cheillan D, Orphanet J Rare Dis 2012 Dec;7:96). In addition, this alteration has been detected in conjunction with other GAMT alterations in several individuals with GAMT deficiency and creatine deficiency syndromes (Comeaux MS, Mol. Genet. Metab. 2013 Jul;109(3):260-8; Dhar SU, Mol. Genet. Metab. 2009 Jan;96(1):38-43; St&ouml;ckler S,Am. J. Hum. Genet. 1996 May;58(5):914-22). In addition to the clinical data presented in the literature, this alteration is expected to result in loss of function by premature protein truncation or nonsense-mediated mRNA decay. As such, this alteration is interpreted as a disease-causing mutation.

Women's Health and Genetics/Laboratory Corporation of America, LabCorp
Classification: Pathogenic for Deficiency of guanidinoacetate methyltransferase. Last evaluated: 2018-02-12. Review status: criteria provided, single submitter. Criteria: LabCorp Variant Classification Summary - May 2015. Collection method: clinical testing. Allele origin: germline. Not counted in ClinVar's aggregate classification.
Comment: Variant summary: GAMT c.299_311dup13 (p.Arg105GlyfsX26) results in a frameshift generating a premature termination codon, predicted to cause a truncation of the encoded protein or absence of the protein due to nonsense mediated decay, which are commonly known mechanisms for disease. Truncations downstream of this position have been classified as pathogenic by our laboratory (eg. c.491dupG (p.Val165fsX26)). The variant was found at a frequency of 5.2e-05 (11/210322) control chromosomes in gnomAD, predominantly observed in the European (Non-Finnish) subpopulation (11/90660) with a frequency of 0.00012. This frequency is not significantly higher than expected for a pathogenic variant in GAMT causing Guanidinoactetate methyltransferase deficiency (0.00012 vs 0.0011), allowing no conclusion about variant significance. c.299_311dup13 has been reported in the literature in multiple individuals affected with Guanidinoactetate methyltransferase deficiency either in homozygosity (Cheillan 2012) or in heterozygous form with other pathogenic (or likely pathogenic) GAMT variants in trans (e.g. Dhar 2009, Stockler 2014). These data indicate that the variant is very likely to be associated with disease. To our knowledge, no experimental evidence demonstrating an impact on protein function has been reported. Two clinical diagnostic laboratories have submitted clinical-significance assessments for this variant to ClinVar after 2017, and both of them classified it as pathogenic. Based on the evidence outlined above, the variant was classified as pathogenic.

OMIM
Classification: Pathogenic for CEREBRAL CREATINE DEFICIENCY SYNDROME 2. Last evaluated: 1996-05-01. Review status: no assertion criteria provided. Collection method: literature only. Allele origin: germline. Not counted in ClinVar's aggregate classification.

Literature cited by the submitters: PubMed 15108290 (cited by Labcorp Genetics (formerly Invitae), Labcorp); PubMed 8651275 (cited by 3 submitters); PubMed 19027335 (cited by Labcorp Genetics (formerly Invitae), Labcorp and Ambry Genetics); PubMed 23234264 (cited by Labcorp Genetics (formerly Invitae), Labcorp and Ambry Genetics); PubMed 23660394 (cited by 3 submitters); PubMed 19388150 (cited by Natera, Inc.); PubMed 24071436 (cited by Victorian Clinical Genetics Services, Murdoch Childrens Research Institute); PubMed 24276113 (cited by Victorian Clinical Genetics Services, Murdoch Childrens Research Institute); PubMed 29506905 (cited by Victorian Clinical Genetics Services, Murdoch Childrens Research Institute); PubMed 24268530 (cited by Women's Health and Genetics/Laboratory Corporation of America, LabCorp).